The following is an entry in ClinVar:

NM_001378454.1(ALMS1):c.10805G>A (p.Trp3602Ter)

Gene: ALMS1 (ALMS1 centrosome and basal body associated protein; plus strand). Cytogenetic location: 2p13.1.
Variant type: single nucleotide variant.
Coding change: c.10805G>A on transcript NM_001378454.1 (MANE Select); coding-DNA position 10805, G replaced by A.
Protein change: p.Trp3602Ter; replaces tryptophan 3602 with a stop codon.
Molecular consequence: nonsense.
Genome position (GRCh38, 1-based): chr2:73,572,682, G>A. VCF-style: chr2-73572682-G-A. GRCh37 (hg19) VCF-style: chr2-73799809-G-A.
Other names: c.10808G>A, p.Trp3603Ter (NM_015120.4); short protein forms W3602*, W3603*.
Identifiers: ClinVar variation 4815755 (VCV004815755.1).
Genomic context (GRCh38, chr2:73,572,682, plus strand): 5'-GGGATCAGAAGGTCACCCCAGAGCAAACAACTCAGCACACTGTGAGTTTGAATGAACTGT[G>A]GAACAAGTATCGGGAGCGACAGAGGCAACAGAGACAGCCTGAGTTGGGTGACAGGAAAGA-3'

ClinVar aggregate classification (germline): Likely pathogenic (1 of 4 stars; one submission).

Conditions:
Alstrom syndrome (ALMS). Identifiers: Orphanet 64, MedGen C0268425, MONDO:0008763, OMIM 203800.

gnomAD v4.1: 1 of 1,614,086 alleles (0.000062%); highest among the groups gnomAD compares: Non-Finnish European, 0.000085%; no homozygotes.

Submission:

Natera, Inc.
Classification: Likely pathogenic for Alstrom syndrome. Last evaluated: 2024-03-15. Review status: criteria provided, single submitter. Criteria: Natera Variant Classification Schema (03/2026). Collection method: clinical testing. Allele origin: germline.
Comment: The c.10808G>A variant in ALMS1 is a nonsense variant predicted to introduce a stop codon at amino acid 3603. This variant is expected to result in nonsense mediated decay, truncation, or a dysfunctional protein product. This variant is rare in the general population with a frequency below the threshold expected for the associated phenotype(s). Given the available evidence, this variant is classified as Likely Pathogenic.